The following is an entry in ClinVar:

ClinVar aggregate classification (germline): Uncertain significance (1 of 4 stars; one submission).

gnomAD v4.1: 21 of 1,608,836 alleles (0.0013%); highest among the groups gnomAD compares: African/African-American, 0.0027%; no homozygotes.

Submission:

Labcorp Genetics (formerly Invitae), Labcorp
Classification: Uncertain significance. Last evaluated: 2024-10-10. Review status: criteria provided, single submitter. Criteria: Invitae Variant Classification Sherloc (09022015). Collection method: clinical testing. Allele origin: germline.
Comment: This sequence change affects codon 646 of the LAMC3 mRNA. It is a 'silent' change, meaning that it does not change the encoded amino acid sequence of the LAMC3 protein. It affects a nucleotide within the consensus splice site. The frequency data for this variant in the population databases is considered unreliable, as metrics indicate poor data quality at this position in the gnomAD database. This variant has not been reported in the literature in individuals affected with LAMC3-related conditions. Algorithms developed to predict the effect of sequence changes on RNA splicing suggest that this variant is not likely to affect RNA splicing. In summary, the available evidence is currently insufficient to determine the role of this variant in disease. Therefore, it has been classified as a Variant of Uncertain Significance.

NM_006059.4(LAMC3):c.1938C>T (p.Ala646=)

Gene: LAMC3 (laminin subunit gamma 3; plus strand). Cytogenetic location: 9q34.12.
Variant type: single nucleotide variant.
Coding change: c.1938C>T on transcript NM_006059.4 (MANE Select); coding-DNA position 1938, C replaced by T.
Protein change: p.Ala646=; no amino-acid change (alanine 646 retained).
Molecular consequence: synonymous variant.
Genome position (GRCh38, 1-based): chr9:131,052,964, C>T. VCF-style: chr9-131052964-C-T. GRCh37 (hg19) VCF-style: chr9-133928351-C-T.
Identifiers: ClinVar variation 3674666 (VCV003674666.1).